The following is an entry in ClinVar:

ClinVar aggregate classification (germline): Benign/Likely benign. Review status: criteria provided, multiple submitters, no conflicts (2 of 4 stars). 4 submissions from 4 submitters: Benign (2); Likely benign (2). Last evaluated 2025-11-21.

Allele frequency attached by ClinVar (database versions not stated): gnomAD exomes 0.00029 and 0.00071; ExAC 0.00083; 1000 Genomes Project 0.00100; 1000 Genomes Project 30x 0.00109; ESP Exome Variant Server 0.00185; gnomAD 0.00195 and 0.00201; TOPMed 0.00197.
gnomAD v4.1: 716 of 1,613,752 alleles (0.044%); highest among the groups gnomAD compares: African/African-American, 0.59%; 6 homozygotes.

Submissions (4):

Labcorp Genetics (formerly Invitae), Labcorp
Classification: Benign. Last evaluated: 2025-11-21. Review status: criteria provided, single submitter. Criteria: Invitae Variant Classification Sherloc (09022015). Collection method: clinical testing. Allele origin: germline.

CeGaT Center for Human Genetics Tuebingen
Classification: Likely benign. Last evaluated: 2025-07-01. Review status: criteria provided, single submitter. Criteria: CeGaT Center For Human Genetics Tuebingen Variant Classification Criteria Version 2. Collection method: clinical testing. Allele origin: germline. Affected: yes. Observed: 1 variant allele.
Comment: SON: BP4, BP7, BS1

Blueprint Genetics
Classification: Likely benign. Last evaluated: 2024-09-04. Review status: criteria provided, single submitter. Criteria: ACMG Guidelines, 2015. Collection method: clinical testing. Allele origin: germline.

Breakthrough Genomics
Classification: Benign. Review status: criteria provided, single submitter. Criteria: ACMG Guidelines, 2015. Collection method: not provided. Allele origin: germline. Inheritance: Autosomal dominant inheritance. Affected: yes.

NM_138927.4(SON):c.4176G>A (p.Pro1392=)

Gene: SON (SON DNA and RNA binding protein; plus strand). Cytogenetic location: 21q22.11.
Variant type: single nucleotide variant.
Coding change: c.4176G>A on transcript NM_138927.4 (MANE Select); coding-DNA position 4176, G replaced by A.
Protein change: p.Pro1392=; no amino-acid change (proline 1392 retained).
Molecular consequence: synonymous variant. On other transcripts: non-coding transcript variant (1), intron variant (1).
Genome position (GRCh38, 1-based): chr21:33,553,407, G>A. VCF-style: chr21-33553407-G-A. GRCh37 (hg19) VCF-style: chr21-34925713-G-A.
Other names: c.4176G>A, p.Pro1392= (NM_001291411.2, NM_032195.3); c.245-3749G>A (NM_001291412.3).
Identifiers: ClinVar variation 741643 (VCV000741643.20), dbSNP rs150326441, ClinGen allele CA10009475.